The following is an entry in ClinVar:

NM_181523.3(PIK3R1):c.1397T>C (p.Leu466Ser)

Gene: PIK3R1 (phosphoinositide-3-kinase regulatory subunit 1; plus strand). Cytogenetic location: 5q13.1.
Variant type: single nucleotide variant.
Coding change: c.1397T>C on transcript NM_181523.3 (MANE Select); coding-DNA position 1397, T replaced by C.
Protein change: p.Leu466Ser; replaces leucine 466 with serine.
Molecular consequence: missense variant.
Genome position (GRCh38, 1-based): chr5:68,293,806, T>C. VCF-style: chr5-68293806-T-C. GRCh37 (hg19) VCF-style: chr5-67589634-T-C.
Other names: c.308T>C, p.Leu103Ser (NM_001242466.2); c.587T>C, p.Leu196Ser (NM_181504.4); c.497T>C, p.Leu166Ser (NM_181524.2); short protein forms L103S, L166S, L196S, L466S.
Identifiers: ClinVar variation 4688160 (VCV004688160.1).

ClinVar aggregate classification (germline): Uncertain significance (1 of 4 stars; one submission).

Conditions:
Immunodeficiency 36 with lymphoproliferation. Also called: Immunodeficiency 36; Activated PI3K Delta Syndrome Type 2 (APDS2); ACTIVATED PI3K-DELTA SYNDROME 2. Identifiers: Orphanet 397596, Orphanet 693681, MedGen C4014934, MONDO:0014453, OMIM 616005.

Submission:

MVZ Medizinische Genetik Mainz
Classification: Uncertain significance for Immunodeficiency 36 with lymphoproliferation. Last evaluated: 2026-01-16. Review status: criteria provided, single submitter. Criteria: UK Practice Guidelines For Variant Classification V4 01 2020. Collection method: clinical testing. Allele origin: germline. Inheritance: Autosomal dominant inheritance. Affected: yes. Observed: 1 variant allele.
Comment: ACMG Criteria: PP3_MOD,PM1_SUP,PM2_SUP,PP2